The following is an entry in ClinVar:

NM_000526.5(KRT14):c.818A>G (p.Asp273Gly)

Gene: KRT14 (keratin 14; minus strand). Cytogenetic location: 17q21.2.
Variant type: single nucleotide variant.
Coding change: c.818A>G on transcript NM_000526.5 (MANE Select); coding-DNA position 818, A replaced by G.
Protein change: p.Asp273Gly; replaces aspartic acid 273 with glycine.
Molecular consequence: missense variant.
Genome position (GRCh38, 1-based): chr17:41,583,869, T>C on the plus strand (A>G on the coding strand, the complement: KRT14 is on the minus strand). VCF-style: chr17-41583869-T-C. GRCh37 (hg19) VCF-style: chr17-39740121-T-C.
Other names: short protein forms D273G.
Identifiers: ClinVar variation 66379 (VCV000066379.3), dbSNP rs59375065, ClinGen allele CA216984.

ClinVar aggregate classification (germline): Likely pathogenic. Review status: criteria provided, single submitter (1 of 4 stars). 2 submissions from 2 submitters: Likely pathogenic (1). 1 of the submissions does not count toward it. Last evaluated 2025-01-14.

Submissions (2):

Labcorp Genetics (formerly Invitae), Labcorp
Classification: Likely pathogenic. Last evaluated: 2025-01-14. Review status: criteria provided, single submitter. Criteria: Invitae Variant Classification Sherloc (09022015). Collection method: clinical testing. Allele origin: germline.
Comment: This sequence change replaces aspartic acid, which is acidic and polar, with glycine, which is neutral and non-polar, at codon 273 of the KRT14 protein (p.Asp273Gly). This variant is not present in population databases (gnomAD no frequency). This missense change has been observed in individual(s) with epidermolysis bullosa simplex (PMID: 9804357; internal data). ClinVar contains an entry for this variant (Variation ID: 66379). Invitae Evidence Modeling of protein sequence and biophysical properties (such as structural, functional, and spatial information, amino acid conservation, physicochemical variation, residue mobility, and thermodynamic stability) indicates that this missense variant is expected to disrupt KRT14 protein function with a positive predictive value of 80%. In summary, the currently available evidence indicates that the variant is pathogenic, but additional data are needed to prove that conclusively. Therefore, this variant has been classified as Likely Pathogenic.

Epithelial Biology;  Institute of Medical Biology, Singapore
No classification provided. Review status: no classification provided. Collection method: not provided. Allele origin: not provided. Not counted in ClinVar's aggregate classification.

Literature cited by the submitters: PubMed 9804357 (cited by Labcorp Genetics (formerly Invitae), Labcorp).